The following is an entry in ClinVar:

ClinVar aggregate classification (germline): Likely benign. Review status: criteria provided, multiple submitters, no conflicts (2 of 4 stars). 3 submissions from 3 submitters: Likely benign (3). Last evaluated 2026-01-01.

Conditions:
VPS13B-related disorder. Also called: VPS13B-related condition.
Cohen syndrome (COH1). Also called: PEPPER SYNDROME; Cutis verticis gyrata, retinitis pigmentosa, and sensorineural deafness. Identifiers: Orphanet 193, MedGen C0265223, MONDO:0008999, OMIM 216550.

Allele frequency attached by ClinVar (database versions not stated): gnomAD exomes below 0.00001 and 0.00001; gnomAD 0.00001; ExAC 0.00003.
gnomAD v4.1: 5 of 1,589,868 alleles (0.00031%); highest among the groups gnomAD compares: Admixed American, 0.0036%; no homozygotes.

Submissions (3):

Labcorp Genetics (formerly Invitae), Labcorp
Classification: Likely benign for Cohen syndrome. Last evaluated: 2026-01-01. Review status: criteria provided, single submitter. Criteria: Invitae Variant Classification Sherloc (09022015). Collection method: clinical testing. Allele origin: germline.

PreventionGenetics, part of Exact Sciences
Classification: Likely benign for VPS13B-related condition. Last evaluated: 2025-07-29. Review status: criteria provided, single submitter. Criteria: ACMG Guidelines, 2015. Collection method: clinical testing. Allele origin: germline.
Comment: This variant is classified as likely benign based on ACMG/AMP sequence variant interpretation guidelines (Richards et al. 2015 PMID: 25741868, with internal and published modifications).

Blueprint Genetics
Classification: Likely benign. Last evaluated: 2023-03-29. Review status: criteria provided, single submitter. Criteria: ACMG Guidelines, 2015. Collection method: clinical testing. Allele origin: germline.

NM_152564.5(VPS13B):c.11045-10G>T

Gene: VPS13B (vacuolar protein sorting 13 homolog B; plus strand). Cytogenetic location: 8q22.2.
Variant type: single nucleotide variant.
Coding change: c.11045-10G>T on transcript NM_152564.5 (MANE Select); 10 bases into the intron before coding-DNA position 11045, G replaced by T.
Molecular consequence: intron variant.
Genome position (GRCh38, 1-based): chr8:99,861,766, G>T. VCF-style: chr8-99861766-G-T. GRCh37 (hg19) VCF-style: chr8-100873994-G-T.
Other names: c.11120-10G>T (NM_017890.5); c.11045-10G>T (NM_152564.4).
Identifiers: ClinVar variation 1660464 (VCV001660464.10), dbSNP rs769628992, ClinGen allele CA4825131.